The following is an entry in ClinVar:

NM_000439.5(PCSK1):c.667C>G (p.His223Asp)

Genes: CAST (calpastatin; plus strand), PCSK1 (proprotein convertase subtilisin/kexin type 1; minus strand), LOC101929710 (uncharacterized LOC101929710; plus strand). Cytogenetic location: 5q15.
Variant type: single nucleotide variant.
Coding change: c.667C>G on transcript NM_000439.5 (MANE Select); coding-DNA position 667, C replaced by G.
Protein change: p.His223Asp; replaces histidine 223 with aspartic acid.
Molecular consequence: missense variant. On other transcripts: intron variant (11).
Genome position (GRCh38, 1-based): chr5:96,416,075, G>C on the plus strand (C>G on the coding strand, the complement: PCSK1 is on the minus strand). VCF-style: chr5-96416075-G-C. GRCh37 (hg19) VCF-style: chr5-95751779-G-C.
Other names: c.526C>G, p.His176Asp (NM_001177875.2); c.-175+36423G>C (NM_001423254.1, NM_001423259.1, NM_001423255.1 and 6 more transcripts); c.-103+36423G>C (NM_001423253.1); c.-40+36423G>C (NM_001423258.1); short protein forms H176D, H223D.
Identifiers: ClinVar variation 4999083 (VCV004999083.1).

ClinVar aggregate classification (germline): Uncertain significance (1 of 4 stars; one submission).

Conditions:
PCSK1-related disorder. Also called: PCSK1-related condition.

gnomAD v4.1: 1 of 1,613,152 alleles (0.000062%); highest among the groups gnomAD compares: African/African-American, 0.0013%; no homozygotes.

Submission:

PreventionGenetics, part of Exact Sciences
Classification: Uncertain significance for PCSK1-related condition. Last evaluated: 2025-10-23. Review status: criteria provided, single submitter. Criteria: ACMG Guidelines, 2015. Collection method: clinical testing. Allele origin: germline.
Comment: The PCSK1 c.667C>G variant is predicted to result in the amino acid substitution p.His223Asp. To our knowledge, this variant has not been reported in the literature or in a large population database (gnomAD), indicating this variant is rare. At this time, the clinical significance of this variant is uncertain due to the absence of conclusive functional and genetic evidence.